The following is an entry in ClinVar:

ClinVar aggregate classification (germline): Pathogenic. Review status: criteria provided, multiple submitters, no conflicts (2 of 4 stars). 3 submissions from 3 submitters: Pathogenic (3). Last evaluated 2022-05-15.

Conditions:
Autosomal recessive congenital ichthyosis 1 (LI1). Also called: COLLODION FETUS; DESQUAMATION OF NEWBORN; ICHTHYOSIS CONGENITA; ICHTHYOSIS CONGENITA II; LAMELLAR EXFOLIATION OF NEWBORN; ICHTHYOSIS, CONGENITAL, AUTOSOMAL RECESSIVE 1, WITH BATHING SUIT DISTRIBUTION. Identifiers: MedGen C4551630, MONDO:0009441, OMIM 242300.

Allele frequency attached by ClinVar (database versions not stated): gnomAD exomes 0.00002.

Submissions (3):

Labcorp Genetics (formerly Invitae), Labcorp
Classification: Pathogenic. Last evaluated: 2022-05-15. Review status: criteria provided, single submitter. Criteria: Invitae Variant Classification Sherloc (09022015). Collection method: clinical testing. Allele origin: germline.
Comment: This sequence change creates a premature translational stop signal (p.Lys422*) in the TGM1 gene. It is expected to result in an absent or disrupted protein product. Loss-of-function variants in TGM1 are known to be pathogenic (PMID: 18948357, 19241467). For these reasons, this variant has been classified as Pathogenic. ClinVar contains an entry for this variant (Variation ID: 1195231). This premature translational stop signal has been observed in individual(s) with TGM1-related conditions (PMID: 11298529, 19863506). This variant is not present in population databases (gnomAD no frequency).

GeneDx
Classification: Pathogenic. Last evaluated: 2020-08-11. Review status: criteria provided, single submitter. Criteria: GeneDx Variant Classification Process June 2021. Collection method: clinical testing. Allele origin: germline. Affected: yes.
Comment: Reported previously with another TGM1 nonsense variant in a patient with lamellar ichthyosis, but it was not documented whether the variants occurred on the same (in cis) or on different (in trans) chromosomes; however, immunofluorescence microscopy of patient cells demonstrated no TGM1 staining, suggestive of nonsense mediated decay (Cserhalmi-Friedman et al., 2001); Nonsense variant predicted to result in protein truncation or nonsense mediated decay in a gene for which loss-of-function is a known mechanism of disease; Not observed in large population cohorts (Lek et al., 2016); This variant is associated with the following publications: (PMID: 11298529, 25525159)

Genome-Nilou Lab
Classification: Pathogenic for Autosomal recessive congenital ichthyosis 1. Review status: criteria provided, single submitter. Criteria: ACMG Guidelines, 2015. Collection method: clinical testing. Allele origin: germline.

Literature cited by the submitters: PubMed 18948357 (cited by Labcorp Genetics (formerly Invitae), Labcorp); PubMed 19241467 (cited by Labcorp Genetics (formerly Invitae), Labcorp); PubMed 11298529 (cited by Labcorp Genetics (formerly Invitae), Labcorp); PubMed 19863506 (cited by Labcorp Genetics (formerly Invitae), Labcorp).

NM_000359.3(TGM1):c.1264A>T (p.Lys422Ter)

Gene: TGM1 (transglutaminase 1; minus strand). Cytogenetic location: 14q12.
Variant type: single nucleotide variant.
Coding change: c.1264A>T on transcript NM_000359.3 (MANE Select); coding-DNA position 1264, A replaced by T.
Protein change: p.Lys422Ter; replaces lysine 422 with a stop codon.
Molecular consequence: nonsense.
Genome position (GRCh38, 1-based): chr14:24,258,569, T>A on the plus strand (A>T on the coding strand, the complement: TGM1 is on the minus strand). VCF-style: chr14-24258569-T-A. GRCh37 (hg19) VCF-style: chr14-24727775-T-A.
Other names: short protein forms K422*.
Identifiers: ClinVar variation 1195231 (VCV001195231.9), dbSNP rs563305936, ClinGen allele CA257897972.
Genomic context (GRCh38, chr14:24,258,569, plus strand): 5'-CAGATGGGCAGTCCACCCCAGCTCACCAGACAGAATCATGGTTCAGGTGCTCCAGGGGCT[T>A]CATGTTCTCGTCGAAGTAGATGTCCATGGTAAGGGATGTGTCTGTGTCGTGGGCGGAGTT-3'